The following is an entry in ClinVar:

NM_001289104.2(PRKCSH):c.1122C>G (p.Ile374Met)

Gene: PRKCSH (PRKCSH beta subunit of glucosidase II; plus strand). Cytogenetic location: 19p13.2.
Variant type: single nucleotide variant.
Coding change: c.1122C>G on transcript NM_001289104.2 (MANE Select); coding-DNA position 1122, C replaced by G.
Protein change: p.Ile374Met; replaces isoleucine 374 with methionine.
Molecular consequence: missense variant.
Genome position (GRCh38, 1-based): chr19:11,447,785, C>G. VCF-style: chr19-11447785-C-G. GRCh37 (hg19) VCF-style: chr19-11558600-C-G.
Other names: c.1092C>G, p.Ile364Met (NM_001001329.3, NM_001289102.2, NM_001379609.1); c.1122C>G, p.Ile374Met (NM_001289103.2); c.1101C>G, p.Ile367Met (NM_001379608.1, NM_002743.3); short protein forms I364M, I367M, I374M.
Identifiers: ClinVar variation 2180026 (VCV002180026.4), dbSNP rs751499412, ClinGen allele CA9213152.

ClinVar aggregate classification (germline): Uncertain significance (1 of 4 stars; one submission).

Allele frequency attached by ClinVar (database versions not stated): TOPMed 0.00002; ExAC 0.00010.
gnomAD v4.1: 89 of 1,574,118 alleles (0.0057%); highest among the groups gnomAD compares: Non-Finnish European, 0.0071%; no homozygotes.

Submission:

Labcorp Genetics (formerly Invitae), Labcorp
Classification: Uncertain significance. Last evaluated: 2025-12-16. Review status: criteria provided, single submitter. Criteria: Invitae Variant Classification Sherloc (09022015). Collection method: clinical testing. Allele origin: germline.
Comment: This sequence change replaces isoleucine, which is neutral and non-polar, with methionine, which is neutral and non-polar, at codon 367 of the PRKCSH protein (p.Ile367Met). The frequency data for this variant in the population databases is considered unreliable, as metrics indicate poor data quality at this position in the gnomAD database. This variant has not been reported in the literature in individuals affected with PRKCSH-related conditions. ClinVar contains an entry for this variant (Variation ID: 2180026). An algorithm developed to predict the effect of missense changes on protein structure and function (PolyPhen-2) suggests that this variant is likely to be disruptive. In summary, the available evidence is currently insufficient to determine the role of this variant in disease. Therefore, it has been classified as a Variant of Uncertain Significance.